The following is an entry in ClinVar:

ClinVar aggregate classification (germline): Uncertain significance (1 of 4 stars; one submission).

gnomAD v4.1: 4 of 1,609,918 alleles (0.00025%); highest among the groups gnomAD compares: Non-Finnish European, 0.00034%; no homozygotes.

Submission:

GeneDx
Classification: Uncertain significance. Last evaluated: 2024-05-08. Review status: criteria provided, single submitter. Criteria: GeneDx Variant Classification Process June 2021. Collection method: clinical testing. Allele origin: germline. Affected: yes.
Comment: Has not been previously published as pathogenic or benign to our knowledge; Not observed at significant frequency in large population cohorts (gnomAD); In silico analysis indicates that this missense variant does not alter protein structure/function

NM_018699.4(PRDM5):c.653T>C (p.Val218Ala)

Gene: PRDM5 (PR/SET domain 5; minus strand). Cytogenetic location: 4q27.
Variant type: single nucleotide variant.
Coding change: c.653T>C on transcript NM_018699.4 (MANE Select); coding-DNA position 653, T replaced by C.
Protein change: p.Val218Ala; replaces valine 218 with alanine.
Molecular consequence: missense variant. On other transcripts: intron variant (3).
Genome position (GRCh38, 1-based): chr4:120,816,922, A>G on the plus strand (T>C on the coding strand, the complement: PRDM5 is on the minus strand). VCF-style: chr4-120816922-A-G. GRCh37 (hg19) VCF-style: chr4-121738077-A-G.
Other names: c.653T>C, p.Val218Ala (NM_001379104.1); c.651-348T>C (NM_001300824.2, NM_001379106.1, NM_001300823.2); short protein forms V218A.
Identifiers: ClinVar variation 3375607 (VCV003375607.1).